The following is an entry in ClinVar:

ClinVar aggregate classification (germline): Uncertain significance. Review status: criteria provided, multiple submitters, no conflicts (2 of 4 stars). 3 submissions from 3 submitters: Uncertain significance (3). Last evaluated 2025-04-24.

Conditions:
Werner syndrome (WRN). Identifiers: Orphanet 902, MedGen C0043119, MONDO:0010196, OMIM 277700.
Inborn genetic diseases. Identifiers: MedGen C0950123, MeSH D030342.

gnomAD v4.1: 1 of 1,584,102 alleles (0.000063%); no homozygotes.

Submissions (3):

Dasa
Classification: Uncertain significance. Last evaluated: 2025-04-24. Review status: criteria provided, single submitter. Criteria: DASA Assertion Criteria. Collection method: clinical testing. Allele origin: germline.
Comment: NM_000553.6(WRN):c.3377A>G (p.Lys1126Arg) is a missense variant that results in the substitution of lysine with arginine. This variant is rare in population databases. Computational prediction algorithms are consistent with a benign effect. The currently available literature and clinical evidence are not sufficient to establish a definitive association between this variant and the reported condition. Therefore, this variant is classified as a variant of uncertain significance.

Ambry Genetics
Classification: Uncertain significance for Inborn genetic diseases. Last evaluated: 2025-02-19. Review status: criteria provided, single submitter. Criteria: Ambry Variant Classification Scheme 2023. Collection method: clinical testing. Allele origin: germline.

Labcorp Genetics (formerly Invitae), Labcorp
Classification: Uncertain significance for Werner syndrome. Last evaluated: 2023-08-22. Review status: criteria provided, single submitter. Criteria: Invitae Variant Classification Sherloc (09022015). Collection method: clinical testing. Allele origin: germline.
Comment: In summary, the available evidence is currently insufficient to determine the role of this variant in disease. Therefore, it has been classified as a Variant of Uncertain Significance. An algorithm developed to predict the effect of missense changes on protein structure and function (PolyPhen-2) suggests that this variant is likely to be tolerated. ClinVar contains an entry for this variant (Variation ID: 936168). This variant has not been reported in the literature in individuals affected with WRN-related conditions. This variant is not present in population databases (gnomAD no frequency). This sequence change replaces lysine, which is basic and polar, with arginine, which is basic and polar, at codon 1126 of the WRN protein (p.Lys1126Arg).

NM_000553.6(WRN):c.3377A>G (p.Lys1126Arg)

Gene: WRN (WRN RecQ like helicase; plus strand). Cytogenetic location: 8p12.
Variant type: single nucleotide variant.
Coding change: c.3377A>G on transcript NM_000553.6 (MANE Select); coding-DNA position 3377, A replaced by G.
Protein change: p.Lys1126Arg; replaces lysine 1126 with arginine.
Molecular consequence: missense variant.
Genome position (GRCh38, 1-based): chr8:31,143,617, A>G. VCF-style: chr8-31143617-A-G. GRCh37 (hg19) VCF-style: chr8-31001133-A-G.
Other names: short protein forms K1126R.
Identifiers: ClinVar variation 936168 (VCV000936168.9), dbSNP rs1802747616, ClinGen allele CA370924219.